The following is an entry in ClinVar:

NM_000092.5(COL4A4):c.2279dup (p.Asp761fs)

Gene: COL4A4 (collagen type IV alpha 4 chain; minus strand). Cytogenetic location: 2q36.3.
Variant type: Duplication.
Coding change: c.2279dup on transcript NM_000092.5 (MANE Select); coding-DNA position 2279, one base duplicated (G; older notation c.2279dupG).
Protein change: p.Asp761fs; shifts the reading frame from aspartic acid 761.
Molecular consequence: frameshift variant.
Genome position (GRCh38, 1-based): chr2:227,059,509, C duplicated on the plus strand (G on the coding strand, the reverse complement: COL4A4 is on the minus strand); the first of 3 consecutive C bases (chr2:227,059,509-227,059,511); duplicating any one gives the same sequence. VCF-style (leftmost placement, unchanged base first): chr2-227059508-T-TC. GRCh37 (hg19) VCF-style: chr2-227924224-T-TC.
Other names: c.2279dupG (NM_000092.4); short protein forms D761fs.
Identifiers: ClinVar variation 555669 (VCV000555669.8), dbSNP rs1553643669, ClinGen allele CA658821259.
Genomic context (GRCh38, chr2:227,059,508, plus strand): 5'-CCCTGGCACTCCTGAAAGACCCCTCTTTCCCGGGGGTCCCAGGTGACCAAATGCAGGGTC[T>TC]CCCGGGATTCCTTTCTGACCATTCACTCCTGGTGAGCCGGGAGGGCCTGGGGGCCCAACA-3'

ClinVar aggregate classification (germline): Pathogenic. Review status: criteria provided, single submitter (1 of 4 stars). 3 submissions from 3 submitters: Pathogenic (1). 2 of the submissions do not count toward it. Last evaluated 2026-02-25.

Conditions:
Autosomal recessive Alport syndrome (ATS2). Also called: COL4A4 Alport Syndrome and Thin Basement Membrane Nephropathy; Alport syndrome type 2; ALPORT SYNDROME 2, AUTOSOMAL RECESSIVE; COL4A3-Related Nephropathy. Identifiers: Orphanet 63, Orphanet 88919, MedGen C4746745, MONDO:0008762, OMIM 203780.
Alport syndrome. Also called: Hemorrhagic familial nephritis; Hemorrhagic hereditary nephritis; Congenital hereditary hematuria. Identifiers: Orphanet 63, MedGen C1567741, MONDO:0018965.

Submissions (3):

Victorian Clinical Genetics Services, Murdoch Childrens Research Institute
Classification: Pathogenic for Alport syndrome. Last evaluated: 2026-02-25. Review status: criteria provided, single submitter. Criteria: ACMG Guidelines, 2015. Collection method: clinical testing. Allele origin: germline. Affected: yes.
Comment: This variant is classified as Pathogenic. Evidence in support of pathogenic classification: Variant is predicted to cause nonsense-mediated decay (NMD) and loss of protein (premature termination codon is located at least 54 nucleotides upstream of the final exon-exon junction); Variant is present in gnomAD <0.01 (v4: 8 heterozygote(s), 0 homozygote(s)); This variant has moderate previous evidence of pathogenicity in unrelated individuals. It has been reported in the literature in a homozygote with Alport syndrome (PMID: 16338941), observed twice in the VCGS internal cohort in heterozygotes with Alport syndrome, and classified as likely pathogenic by a diagnostic laboratory in ClinVar; Other NMD-predicted variants comparable to the one identified in this case have very strong previous evidence for pathogenicity (ClinVar). Additional information: This variant is heterozygous; This gene is associated with both recessive and dominant Alport syndrome (MONDO:0018965), COL4A4-related; Loss of function is a known mechanism of disease for this gene and is associated with Alport syndrome (MONDO:0018965), COL4A4-related. Dominant negative is a suspected mechanism of disease for glycine changes that are part of a Gly-X-Y repeat in the triple helix of a collagen domain (PMIDs: 12028435, 24046192, 38214412); Inheritance information for this variant is not currently available in this individual.

Gharavi Laboratory, Columbia University
Classification: Pathogenic. Last evaluated: 2018-09-16. Review status: no assertion criteria provided. Criteria: ACMG Guidelines, 2015. Collection method: research. Allele origin: germline. Affected: yes. Not counted in ClinVar's aggregate classification.

Counsyl
Classification: Likely pathogenic for Autosomal recessive Alport syndrome. Last evaluated: 2017-12-19. Review status: no assertion criteria provided. Collection method: clinical testing. Allele origin: unknown. Not counted in ClinVar's aggregate classification.

Literature cited by the submitters: PubMed 38214412 (cited by Victorian Clinical Genetics Services, Murdoch Childrens Research Institute); PubMed 16338941 (cited by Victorian Clinical Genetics Services, Murdoch Childrens Research Institute and Counsyl); PubMed 12028435 (cited by Victorian Clinical Genetics Services, Murdoch Childrens Research Institute); PubMed 24046192 (cited by Victorian Clinical Genetics Services, Murdoch Childrens Research Institute).